The following is an entry in ClinVar:

NM_025099.6(CTC1):c.1207-1G>C

Gene: CTC1 (CST telomere replication complex component 1; minus strand). Cytogenetic location: 17p13.1.
Variant type: single nucleotide variant.
Coding change: c.1207-1G>C on transcript NM_025099.6 (MANE Select); the canonical splice acceptor site of the intron before coding-DNA position 1207, G replaced by C.
Molecular consequence: splice acceptor variant.
Genome position (GRCh38, 1-based): chr17:8,235,286, C>G on the plus strand (G>C on the coding strand, the complement: CTC1 is on the minus strand). VCF-style: chr17-8235286-C-G. GRCh37 (hg19) VCF-style: chr17-8138604-C-G.
Other names: c.1207-1G>C (NM_001411067.1).
Identifiers: ClinVar variation 2032599 (VCV002032599.4), dbSNP rs1202350917, ClinGen allele CA397985087.

ClinVar aggregate classification (germline): Likely pathogenic (1 of 4 stars; one submission).

Conditions:
Dyskeratosis congenita. Identifiers: Orphanet 1775, MedGen C0265965, MONDO:0015780.

Submission:

Labcorp Genetics (formerly Invitae), Labcorp
Classification: Likely pathogenic for Dyskeratosis congenita. Last evaluated: 2024-05-15. Review status: criteria provided, single submitter. Criteria: Invitae Variant Classification Sherloc (09022015). Collection method: clinical testing. Allele origin: germline.
Comment: This sequence change affects an acceptor splice site in intron 7 of the CTC1 gene. It is expected to disrupt RNA splicing. Variants that disrupt the donor or acceptor splice site typically lead to a loss of protein function (PMID: 16199547), and loss-of-function variants in CTC1 are known to be pathogenic (PMID: 22267198, 22387016). This variant is not present in population databases (gnomAD no frequency). This variant has not been reported in the literature in individuals affected with CTC1-related conditions. ClinVar contains an entry for this variant (Variation ID: 2032599). Algorithms developed to predict the effect of sequence changes on RNA splicing suggest that this variant may disrupt the consensus splice site. In summary, the currently available evidence indicates that the variant is pathogenic, but additional data are needed to prove that conclusively. Therefore, this variant has been classified as Likely Pathogenic.

Literature cited by the submitters: PubMed 16199547; PubMed 22267198; PubMed 22387016.